The following is an entry in ClinVar:

ClinVar aggregate classification (germline): Uncertain significance (1 of 4 stars; one submission).

Conditions:
Bloom syndrome (BLM). Also called: Bloom-Torre-Machacek syndrome. Identifiers: Orphanet 125, MedGen C0005859, MONDO:0008876, OMIM 210900.

Submission:

Labcorp Genetics (formerly Invitae), Labcorp
Classification: Uncertain significance for Bloom syndrome. Last evaluated: 2020-10-15. Review status: criteria provided, single submitter. Criteria: Invitae Variant Classification Sherloc (09022015). Collection method: clinical testing. Allele origin: germline.
Comment: In summary, the available evidence is currently insufficient to determine the role of this variant in disease. Therefore, it has been classified as a Variant of Uncertain Significance. Algorithms developed to predict the effect of missense changes on protein structure and function (SIFT, PolyPhen-2, Align-GVGD) all suggest that this variant is likely to be tolerated, but these predictions have not been confirmed by published functional studies and their clinical significance is uncertain. This variant has not been reported in the literature in individuals with BLM-related conditions. This variant is not present in population databases (ExAC no frequency). This sequence change replaces methionine with arginine at codon 1339 of the BLM protein (p.Met1339Arg). The methionine residue is weakly conserved and there is a moderate physicochemical difference between methionine and arginine.

NM_000057.4(BLM):c.4016T>G (p.Met1339Arg)

Gene: BLM (BLM RecQ like helicase; plus strand). Cytogenetic location: 15q26.1.
Variant type: single nucleotide variant.
Coding change: c.4016T>G on transcript NM_000057.4 (MANE Select); coding-DNA position 4016, T replaced by G.
Protein change: p.Met1339Arg; replaces methionine 1339 with arginine.
Molecular consequence: missense variant.
Genome position (GRCh38, 1-based): chr15:90,811,346, T>G. VCF-style: chr15-90811346-T-G. GRCh37 (hg19) VCF-style: chr15-91354576-T-G.
Other names: c.4016T>G, p.Met1339Arg (NM_001287246.2); c.3623T>G, p.Met1208Arg (NM_001287247.2); c.2891T>G, p.Met964Arg (NM_001287248.2); short protein forms M1208R, M964R, M1339R.
Identifiers: ClinVar variation 1044807 (VCV001044807.9), dbSNP rs761320085, ClinGen allele CA393851271.